The following is an entry in ClinVar:

NM_015662.3(IFT172):c.3821+3A>G

Genes: IFT172 (intraflagellar transport 172; minus strand), LOC126806173 (BRD4-independent group 4 enhancer GRCh37_chr2:27676057-27677256; plus strand). Cytogenetic location: 2p23.3.
Variant type: single nucleotide variant.
Coding change: c.3821+3A>G on transcript NM_015662.3 (MANE Select); 3 bases into the intron after coding-DNA position 3821, A replaced by G.
Molecular consequence: intron variant.
Genome position (GRCh38, 1-based): chr2:27,453,627, T>C on the plus strand (A>G on the coding strand, the complement: IFT172 is on the minus strand). VCF-style: chr2-27453627-T-C. GRCh37 (hg19) VCF-style: chr2-27676494-T-C.
Other names: c.3755+3A>G (NM_001410739.1).
Identifiers: ClinVar variation 3759307 (VCV003759307.2).
Genomic context (GRCh38, chr2:27,453,627, plus strand): 5'-TCCTGTGTATGCCTCATGACCCTCCCAGCCCTGCCAATGCTGCCTGGACCTCTGGCCTCA[T>C]ACCTGGCCCCCTTCTTAGTAGCTTCCCGCTCATATTCTTCCTGCAGAGCCTCCAGCTGGC-3'

ClinVar aggregate classification (germline): Uncertain significance (1 of 4 stars; one submission).

Conditions:
Short-rib thoracic dysplasia 10 with or without polydactyly (SRTD10). Identifiers: Orphanet 474, MedGen C3810175, MONDO:0014284, OMIM 615630.
Retinitis pigmentosa 71 (RP71). Identifiers: Orphanet 791, MedGen C4225342, MONDO:0014618, OMIM 616394.

Submission:

Labcorp Genetics (formerly Invitae), Labcorp
Classification: Uncertain significance for Retinitis pigmentosa 71; Short-rib thoracic dysplasia 10 with or without polydactyly. Last evaluated: 2024-12-05. Review status: criteria provided, single submitter. Criteria: Invitae Variant Classification Sherloc (09022015). Collection method: clinical testing. Allele origin: germline.
Comment: This sequence change falls in intron 34 of the IFT172 gene. It does not directly change the encoded amino acid sequence of the IFT172 protein. It affects a nucleotide within the consensus splice site. This variant is not present in population databases (gnomAD no frequency). This variant has not been reported in the literature in individuals affected with IFT172-related conditions. Variants that disrupt the consensus splice site are a relatively common cause of aberrant splicing (PMID: 17576681, 9536098). Algorithms developed to predict the effect of sequence changes on RNA splicing suggest that this variant may disrupt the consensus splice site. In summary, the available evidence is currently insufficient to determine the role of this variant in disease. Therefore, it has been classified as a Variant of Uncertain Significance.

Literature cited by the submitters: PubMed 17576681; PubMed 9536098.